The following is an entry in ClinVar:

NM_017654.4(SAMD9):c.3568G>A (p.Asp1190Asn)

Gene: SAMD9 (sterile alpha motif domain containing 9; minus strand). Cytogenetic location: 7q21.2.
Variant type: single nucleotide variant.
Coding change: c.3568G>A on transcript NM_017654.4 (MANE Select); coding-DNA position 3568, G replaced by A.
Protein change: p.Asp1190Asn; replaces aspartic acid 1190 with asparagine.
Molecular consequence: missense variant.
Genome position (GRCh38, 1-based): chr7:93,102,530, C>T on the plus strand (G>A on the coding strand, the complement: SAMD9 is on the minus strand). VCF-style: chr7-93102530-C-T. GRCh37 (hg19) VCF-style: chr7-92731843-C-T.
Other names: c.3568G>A, p.Asp1190Asn (NM_001193307.2); short protein forms D1190N.
Identifiers: ClinVar variation 1314551 (VCV001314551.2), dbSNP rs2116414544, ClinGen allele CA368184315.
Genomic context (GRCh38, chr7:93,102,530, plus strand): 5'-TTTGGATTGTGTAAAGCCCAACTTCTATCTCTCCTTGATAACCAGCTATATTGTAAGTAT[C>T]ATACCGCCTTTTTGACTTCGGATACAATCTTTCCTTCACTTCATACTCTCTATCTTCACT-3'
Protein context (NP_060124.2, residues 1180-1200): RLYPKSKRRY[Asp1190Asn]TYNIAGYQGE

ClinVar aggregate classification (germline): Uncertain significance (1 of 4 stars; one submission).

Submission:

GeneDx
Classification: Uncertain significance. Last evaluated: 2021-04-13. Review status: criteria provided, single submitter. Criteria: GeneDx Variant Classification Process June 2021. Collection method: clinical testing. Allele origin: germline. Affected: yes.
Comment: Not observed in large population cohorts (Lek et al., 2016); In silico analysis supports that this missense variant does not alter protein structure/function; Has not been previously published as pathogenic or benign to our knowledge